The following is an entry in ClinVar:

ClinVar aggregate classification (germline): Pathogenic (1 of 4 stars; one submission).

Conditions:
Neurofibromatosis, type 1 (NF1). Also called: Peripheral type neurofibromatosis; NEUROFIBROMATOSIS, TYPE I, SOMATIC; VON RECKLINGHAUSEN DISEASE; Neurofibromatosis, type I. Identifiers: Orphanet 636, MedGen C0027831, MONDO:0018975, OMIM 162200. Disease mechanism: loss of function.

Submission:

Labcorp Genetics (formerly Invitae), Labcorp
Classification: Pathogenic for Neurofibromatosis, type 1. Last evaluated: 2022-03-03. Review status: criteria provided, single submitter. Criteria: Invitae Variant Classification Sherloc (09022015). Collection method: clinical testing. Allele origin: germline.
Comment: This variant has not been reported in the literature in individuals affected with NF1-related conditions. For these reasons, this variant has been classified as Pathogenic. This variant is not present in population databases (gnomAD no frequency). This sequence change creates a premature translational stop signal (p.Leu194Serfs*12) in the NF1 gene. It is expected to result in an absent or disrupted protein product. Loss-of-function variants in NF1 are known to be pathogenic (PMID: 10712197, 23913538).

Literature cited by the submitters: PubMed 10712197; PubMed 23913538.

NM_001042492.3(NF1):c.579_580insAGTTACAGTATATCAATGTGGATTGTGCAAAATTAAAACGACTC (p.Leu194delinsSerTyrSerIleSerMetTrpIleValGlnAsnTer)

Gene: NF1 (neurofibromin 1; plus strand). Cytogenetic location: 17q11.2.
Variant type: Insertion.
Coding change: c.579_580insAGTTACAGTATATCAATGTGGATTGTGCAAAATTAAAACGACTC on transcript NM_001042492.3 (MANE Select); coding-DNA positions 579 to 580, AGTTACAGTATATCAATGTGGATTGTGCAAAATTAAAACGACTC inserted.
Protein change: p.Leu194delinsSerTyrSerIleSerMetTrpIleValGlnAsnTer.
Molecular consequence: nonsense. On other transcripts: frameshift variant (1).
Genome position: GRCh38: chr17:31,169,990-31,169,991. GRCh37 (hg19): chr17:29,497,008-29,497,009.
Other names: c.579_580insAGTTACAGTATATCAATGTGGATTGTGCAAAATTAAAACGACTC, p.Leu194delinsSerTyrSerIleSerMetTrpIleValGlnAsnTer (NM_001128147.3); c.579_580insAGTTACAGTATATCAATGTGGATTGTGCAAAATTAAAACGACTC, p.Leu194Serfs (NM_000267.4).
Identifiers: ClinVar variation 2106364 (VCV002106364.4), dbSNP rs2544719104, ClinGen allele CA2580092993.